The following is an entry in ClinVar:

ClinVar aggregate classification (germline): Uncertain significance (1 of 4 stars; one submission).

Submission:

Ambry Genetics
Classification: Uncertain significance. Last evaluated: 2021-04-14. Review status: criteria provided, single submitter. Criteria: Ambry Variant Classification Scheme 2023. Collection method: clinical testing. Allele origin: germline.
Comment: The p.K452N variant (also known as c.1356A>C) is located in coding exon 11 of the RECQL gene. The lysine at codon 452 is replaced by asparagine, an amino acid with similar properties. This change occurs in the first base pair of coding exon 11. This amino acid position is not well conserved in available vertebrate species. In addition, this alteration is predicted to be tolerated by in silico analysis. Since supporting evidence is limited at this time, the clinical significance of this alteration remains unclear.

NM_002907.4(RECQL):c.1356A>C (p.Lys452Asn)

Gene: RECQL (RecQ like helicase; minus strand). Cytogenetic location: 12p12.1.
Variant type: single nucleotide variant.
Coding change: c.1356A>C on transcript NM_002907.4 (MANE Select); coding-DNA position 1356, A replaced by C.
Protein change: p.Lys452Asn; replaces lysine 452 with asparagine.
Molecular consequence: missense variant.
Genome position (GRCh38, 1-based): chr12:21,473,642, T>G on the plus strand (A>C on the coding strand, the complement: RECQL is on the minus strand). VCF-style: chr12-21473642-T-G. GRCh37 (hg19) VCF-style: chr12-21626576-T-G.
Other names: c.1356A>C, p.Lys452Asn (NM_032941.3); short protein forms K452N.
Identifiers: ClinVar variation 1770699 (VCV001770699.2), dbSNP rs2540334936, ClinGen allele CA384117834.